The following is an entry in ClinVar:

ClinVar aggregate classification (germline): Uncertain significance. Review status: criteria provided, multiple submitters, no conflicts (2 of 4 stars). 3 submissions from 3 submitters: Uncertain significance (3). Last evaluated 2024-12-01.

Conditions:
Autosomal recessive ataxia, Beauce type. Also called: SYNE1 Deficiency; Spinocerebellar ataxia, autosomal recessive 8; SYNE1-Related Autosomal Recessive Cerebellar Ataxia; ATAXIA, RECESSIVE, OF BEAUCE. Identifiers: Orphanet 88644, MedGen C1853116, MONDO:0012549, OMIM 610743.
Emery-Dreifuss muscular dystrophy 4, autosomal dominant (EDMD4). Also called: EMERY-DREIFUSS MUSCULAR DYSTROPHY 4 WITH VARIABLE FEATURES. Identifiers: Orphanet 261, MedGen C2751807, MONDO:0013071, OMIM 612998.

Allele frequency attached by ClinVar (database versions not stated): TOPMed 0.00001; ExAC 0.00002; gnomAD 0.00002; gnomAD exomes 0.00002.
gnomAD v4.1: 27 of 1,613,812 alleles (0.0017%); highest among the groups gnomAD compares: Admixed American, 0.0067%; no homozygotes.

Submissions (3):

CeGaT Center for Human Genetics Tuebingen
Classification: Uncertain significance. Last evaluated: 2024-12-01. Review status: criteria provided, single submitter. Criteria: CeGaT Center For Human Genetics Tuebingen Variant Classification Criteria Version 2. Collection method: clinical testing. Allele origin: germline. Affected: yes. Observed: 1 variant allele.
Comment: SYNE1: PM2

Labcorp Genetics (formerly Invitae), Labcorp
Classification: Uncertain significance for Emery-Dreifuss muscular dystrophy 4, autosomal dominant; Autosomal recessive ataxia, Beauce type. Last evaluated: 2022-06-22. Review status: criteria provided, single submitter. Criteria: Invitae Variant Classification Sherloc (09022015). Collection method: clinical testing. Allele origin: germline.
Comment: This sequence change replaces arginine, which is basic and polar, with cysteine, which is neutral and slightly polar, at codon 2903 of the SYNE1 protein (p.Arg2903Cys). This variant is present in population databases (rs750573381, gnomAD 0.01%). This variant has not been reported in the literature in individuals affected with SYNE1-related conditions. ClinVar contains an entry for this variant (Variation ID: 805585). Algorithms developed to predict the effect of missense changes on protein structure and function (SIFT, PolyPhen-2, Align-GVGD) all suggest that this variant is likely to be disruptive. In summary, the available evidence is currently insufficient to determine the role of this variant in disease. Therefore, it has been classified as a Variant of Uncertain Significance.

Athena Diagnostics
Classification: Uncertain significance. Last evaluated: 2019-03-21. Review status: criteria provided, single submitter. Criteria: Athena Diagnostics Criteria. Collection method: clinical testing. Allele origin: germline.

NM_182961.4(SYNE1):c.8686C>T (p.Arg2896Cys)

Genes: SYNE1 (spectrin repeat containing nuclear envelope protein 1; minus strand), SYNE1-AS1 (SYNE1 antisense RNA 1; plus strand). Cytogenetic location: 6q25.2.
Variant type: single nucleotide variant.
Coding change: c.8686C>T on transcript NM_182961.4 (MANE Select); coding-DNA position 8686, C replaced by T.
Protein change: p.Arg2896Cys; replaces arginine 2896 with cysteine.
Molecular consequence: missense variant. On other transcripts: non-coding transcript variant (1).
Genome position (GRCh38, 1-based): chr6:152,381,329, G>A on the plus strand (C>T on the coding strand, the complement: SYNE1 is on the minus strand). VCF-style: chr6-152381329-G-A. GRCh37 (hg19) VCF-style: chr6-152702464-G-A.
Other names: c.8707C>T, p.Arg2903Cys (NM_033071.5); short protein forms R2896C, R2903C.
Identifiers: ClinVar variation 805585 (VCV000805585.17), dbSNP rs750573381, ClinGen allele CA4057482.